The following is an entry in ClinVar:

ClinVar aggregate classification (germline): Conflicting classifications of pathogenicity. Review status: criteria provided, conflicting classifications (1 of 4 stars). 3 submissions from 3 submitters: Uncertain significance (2); Likely benign (1). Last evaluated 2025-06-22.

Conditions:
Hereditary cancer-predisposing syndrome. Also called: Hereditary Cancer Syndrome; Neoplastic Syndromes, Hereditary; Tumor predisposition; Hereditary neoplastic syndrome. Identifiers: Orphanet 140162, MedGen C0027672, MeSH D009386, MONDO:0015356.
Hereditary breast ovarian cancer syndrome. Also called: Hereditary breast and ovarian cancer syndrome; Hereditary breast and ovarian cancer; Hereditary breast and ovarian cancer syndrome (HBOC); Breast and ovarian cancer; Hereditary breast and/or ovarian cancer syndrome; BRCA1- and BRCA2-Associated Hereditary Breast and Ovarian Cancer. Identifiers: Orphanet 145, MedGen C0677776, MeSH D061325, MONDO:0003582. Disease mechanism: loss of function.

Submissions (3):

Labcorp Genetics (formerly Invitae), Labcorp
Classification: Uncertain significance for Hereditary breast ovarian cancer syndrome. Last evaluated: 2025-06-22. Review status: criteria provided, single submitter. Criteria: Invitae Variant Classification Sherloc (09022015). Collection method: clinical testing. Allele origin: germline.
Comment: This sequence change replaces asparagine, which is neutral and polar, with aspartic acid, which is acidic and polar, at codon 859 of the BRCA1 protein (p.Asn859Asp). This variant is not present in population databases (gnomAD no frequency). This variant has not been reported in the literature in individuals affected with BRCA1-related conditions. ClinVar contains an entry for this variant (Variation ID: 481428). Invitae Evidence Modeling of protein sequence and biophysical properties (such as structural, functional, and spatial information, amino acid conservation, physicochemical variation, residue mobility, and thermodynamic stability) has been performed for this missense variant. However, the output from this modeling did not meet the statistical confidence thresholds required to predict the impact of this variant on BRCA1 protein function. In summary, the available evidence is currently insufficient to determine the role of this variant in disease. Therefore, it has been classified as a Variant of Uncertain Significance.

Ambry Genetics
Classification: Uncertain significance for Hereditary cancer-predisposing syndrome. Last evaluated: 2023-05-31. Review status: criteria provided, single submitter. Criteria: Ambry Variant Classification Scheme 2023. Collection method: clinical testing. Allele origin: germline.
Comment: The p.N859D variant (also known as c.2575A>G), located in coding exon 9 of the BRCA1 gene, results from an A to G substitution at nucleotide position 2575. The asparagine at codon 859 is replaced by aspartic acid, an amino acid with highly similar properties. This alteration was not observed in 7,051 unselected female breast cancer patients and was observed with an allele frequency of 0.0009 in 11,241 female controls of Japanese ancestry (Momozawa Y et al. Nat Commun, 2018 Oct;9:4083). This amino acid position is well conserved in available vertebrate species. In addition, the in silico prediction for this alteration is inconclusive. Since supporting evidence is limited at this time, the clinical significance of this alteration remains unclear.

University of Washington Department of Laboratory Medicine, University of Washington
Classification: Likely benign for Hereditary cancer-predisposing syndrome. Last evaluated: 2023-03-23. Review status: criteria provided, single submitter. Criteria: Dines et al. (Genet Med. 2020). Collection method: curation. Allele origin: germline.
Comment: Missense variant in a coldspot region where missense variants are very unlikely to be pathogenic (PMID:31911673).

BRCA1 coldspot (exon 11 using historical exon numbering). Reclassification based on statistical prior probability

Literature cited by the submitters: PubMed 30287823 (cited by Ambry Genetics).

NM_007294.4(BRCA1):c.2575A>G (p.Asn859Asp)

Gene: BRCA1 (BRCA1 DNA repair associated; minus strand). Cytogenetic location: 17q21.31.
Variant type: single nucleotide variant.
Coding change: c.2575A>G on transcript NM_007294.4 (MANE Select); coding-DNA position 2575, A replaced by G.
Protein change: p.Asn859Asp; replaces asparagine 859 with aspartic acid.
Molecular consequence: missense variant. On other transcripts: intron variant (137).
Genome position (GRCh38, 1-based): chr17:43,092,956, T>C on the plus strand (A>G on the coding strand, the complement: BRCA1 is on the minus strand). VCF-style: chr17-43092956-T-C. GRCh37 (hg19) VCF-style: chr17-41244973-T-C.
Other names: c.2365A>G, p.Asn789Asp (NM_001407879.1, NM_001407881.1, NM_001407886.1 and 13 more transcripts); c.2575A>G, p.Asn859Asp (NM_001407593.1, NM_001407597.1, NM_001407598.1 and 30 more transcripts); c.671-1924A>G (NM_001408419.1, NM_001408423.1, NM_001408420.1 and 2 more transcripts); c.787+1788A>G (NM_001408403.1, NM_001407983.1, NM_001407975.1 and 17 more transcripts); c.646+1788A>G (NM_001408456.1, NM_001408458.1, NM_001408469.1 and 11 more transcripts); c.790+1785A>G (NM_001408406.1); c.2362A>G, p.Asn788Asp (NM_001407894.1, NM_001407853.1, NM_001407571.1 and 9 more transcripts); c.2434A>G, p.Asn812Asp (NM_001407851.1, NM_001407852.1, NM_001407942.1 and 29 more transcripts); and 41 more; short protein forms N859D, N812D, N748D, N792D, N811D, N832D, N833D, N858D.
Identifiers: ClinVar variation 481428 (VCV000481428.17), dbSNP rs1555589354, ClinGen allele CA10596842.